The following is an entry in ClinVar:

ClinVar aggregate classification (germline): Uncertain significance. Review status: criteria provided, multiple submitters, no conflicts (2 of 4 stars). 2 submissions from 2 submitters: Uncertain significance (2). Last evaluated 2025-06-09.

Conditions:
Inborn genetic diseases. Identifiers: MedGen C0950123, MeSH D030342.
Maple syrup urine disease (MSUD). Identifiers: Orphanet 511, MedGen C0024776, MeSH D008375, MONDO:0009563. Disease mechanism: loss of function.

Allele frequency attached by ClinVar (database versions not stated): gnomAD exomes 0.00001; ExAC 0.00003; gnomAD 0.00005; ESP Exome Variant Server 0.00008; TOPMed 0.00008.
gnomAD v4.1: 29 of 1,614,110 alleles (0.0018%); highest among the groups gnomAD compares: Admixed American, 0.0067%; no homozygotes.

Submissions (2):

Ambry Genetics
Classification: Uncertain significance for Inborn genetic diseases. Last evaluated: 2025-06-09. Review status: criteria provided, single submitter. Criteria: Ambry Variant Classification Scheme 2023. Collection method: clinical testing. Allele origin: germline.
Comment: The p.R399Q variant (also known as c.1196G>A), located in coding exon 9 of the BCKDHA gene, results from a G to A substitution at nucleotide position 1196. The arginine at codon 399 is replaced by glutamine, an amino acid with highly similar properties. This amino acid position is conserved. In addition, the in silico prediction for this alteration is inconclusive. Based on the available evidence, the clinical significance of this variant remains unclear.

Labcorp Genetics (formerly Invitae), Labcorp
Classification: Uncertain significance for Maple syrup urine disease. Last evaluated: 2021-09-30. Review status: criteria provided, single submitter. Criteria: Invitae Variant Classification Sherloc (09022015). Collection method: clinical testing. Allele origin: germline.
Comment: This sequence change replaces arginine with glutamine at codon 399 of the BCKDHA protein (p.Arg399Gln). The arginine residue is moderately conserved and there is a small physicochemical difference between arginine and glutamine. This variant is present in population databases (rs139553536, ExAC 0.01%). This variant has not been reported in the literature in individuals with BCKDHA-related conditions. Algorithms developed to predict the effect of missense changes on protein structure and function are either unavailable or do not agree on the potential impact of this missense change (SIFT: "Tolerated"; PolyPhen-2: "Benign"; Align-GVGD: "Class C0"). In summary, the available evidence is currently insufficient to determine the role of this variant in disease. Therefore, it has been classified as a Variant of Uncertain Significance.

NM_000709.4(BCKDHA):c.1196G>A (p.Arg399Gln)

Gene: BCKDHA (branched chain keto acid dehydrogenase E1 subunit alpha; plus strand). Cytogenetic location: 19q13.2.
Variant type: single nucleotide variant.
Coding change: c.1196G>A on transcript NM_000709.4 (MANE Select); coding-DNA position 1196, G replaced by A.
Protein change: p.Arg399Gln; replaces arginine 399 with glutamine.
Molecular consequence: missense variant.
Genome position (GRCh38, 1-based): chr19:41,424,466, G>A. VCF-style: chr19-41424466-G-A. GRCh37 (hg19) VCF-style: chr19-41930371-G-A.
Other names: c.1193G>A, p.Arg398Gln (NM_001164783.2); c.1196G>A (NM_000709.3); short protein forms R399Q, R398Q.
Identifiers: ClinVar variation 2189612 (VCV002189612.2), dbSNP rs139553536, ClinGen allele CA9461403.
Genomic context (GRCh38, chr19:41,424,466, plus strand): 5'-GCTAGCCTGCCCACTGCCCCATGTCCCCACAGGTGATGGAGGCCTTTGAGCAGGCCGAGC[G>A]GAAGCCCAAACCCAACCCCAACCTACTCTTCTCAGACGTGTATCAGGAGATGCCCGCCCA-3'
Protein context (NP_000700.1, residues 389-409): KVMEAFEQAE[Arg399Gln]KPKPNPNLLF